The following is an entry in ClinVar:

NM_004836.7(EIF2AK3):c.2840T>G (p.Met947Arg)

Genes: EIF2AK3 (eukaryotic translation initiation factor 2 alpha kinase 3; minus strand), EIF2AK3-AS1 (EIF2AK3 antisense RNA 1; plus strand). Cytogenetic location: 2p11.2.
Variant type: single nucleotide variant.
Coding change: c.2840T>G on transcript NM_004836.7 (MANE Select); coding-DNA position 2840, T replaced by G.
Protein change: p.Met947Arg; replaces methionine 947 with arginine.
Molecular consequence: missense variant.
Genome position (GRCh38, 1-based): chr2:88,571,019, A>C on the plus strand (T>G on the coding strand, the complement: EIF2AK3 is on the minus strand). VCF-style: chr2-88571019-A-C. GRCh37 (hg19) VCF-style: chr2-88870537-A-C.
Other names: c.2387T>G, p.Met796Arg (NM_001313915.2); short protein forms M796R, M947R.
Identifiers: ClinVar variation 2801882 (VCV002801882.3), dbSNP rs1045936070, ClinGen allele CA347587368.
Genomic context (GRCh38, chr2:88,571,019, plus strand): 5'-TCCTCATCCTGGTCCATTGCAGTCACTAACCCAAAGTCTCCAACCTTGACCACATCATCC[A>C]TTGTAAAGAATATGTTGGATGGCTGGAAAGAATACAACAGACAAAAGTACAGTGGGTGTG-3'
Protein context (NP_004827.4, residues 937-957): DLKPSNIFFT[Met947Arg]DDVVKVGDFG

ClinVar aggregate classification (germline): Uncertain significance (1 of 4 stars; one submission).

gnomAD v4.1: 3 of 1,614,186 alleles (0.00019%); highest among the groups gnomAD compares: Non-Finnish European, 0.00017%; no homozygotes.

Submission:

Labcorp Genetics (formerly Invitae), Labcorp
Classification: Uncertain significance. Last evaluated: 2024-01-29. Review status: criteria provided, single submitter. Criteria: Invitae Variant Classification Sherloc (09022015). Collection method: clinical testing. Allele origin: germline.
Comment: This sequence change replaces methionine, which is neutral and non-polar, with arginine, which is basic and polar, at codon 947 of the EIF2AK3 protein (p.Met947Arg). This variant is present in population databases (no rsID available, gnomAD 0.0009%). This variant has not been reported in the literature in individuals affected with EIF2AK3-related conditions. An algorithm developed to predict the effect of missense changes on protein structure and function (PolyPhen-2) suggests that this variant is likely to be tolerated. In summary, the available evidence is currently insufficient to determine the role of this variant in disease. Therefore, it has been classified as a Variant of Uncertain Significance.